The following is an entry in ClinVar:

NM_003334.4(UBA1):c.2904G>C (p.Glu968Asp)

Gene: UBA1 (ubiquitin like modifier activating enzyme 1; plus strand). Cytogenetic location: Xp11.3.
Variant type: single nucleotide variant.
Coding change: c.2904G>C on transcript NM_003334.4 (MANE Select); coding-DNA position 2904, G replaced by C.
Protein change: p.Glu968Asp; replaces glutamic acid 968 with aspartic acid.
Molecular consequence: missense variant.
Genome position (GRCh38, 1-based): chrX:47,214,392, G>C. VCF-style: chrX-47214392-G-C. GRCh37 (hg19) VCF-style: chrX-47073791-G-C.
Other names: c.2904G>C, p.Glu968Asp (NM_153280.3); short protein forms E968D.
Identifiers: ClinVar variation 3705172 (VCV003705172.2).
Genomic context (GRCh38, chrX:47,214,392, plus strand): 5'-TAACCAAGAGTGGACATTGTGGGATCGCTTTGAGGTACAAGGGCTGCAGCCTAATGGTGA[G>C]GAGATGACCCTCAAACAGTTCCTCGACTATTTTAAGGTAAGGCCCCTCCCTTACTCTGTC-3'
Protein context (NP_003325.2, residues 958-978): FEVQGLQPNG[Glu968Asp]EMTLKQFLDY

ClinVar aggregate classification (germline): Uncertain significance (1 of 4 stars; one submission).

Conditions:
Infantile-onset X-linked spinal muscular atrophy. Also called: Spinal Muscular Atrophy, X-Linked Infantile; Spinal muscular atrophy, X-linked 2; AMC, DISTAL, X-LINKED; ARTHROGRYPOSIS, X-LINKED, TYPE I; SPINAL MUSCULAR ATROPHY, X-LINKED LETHAL INFANTILE. Identifiers: Orphanet 1145, MedGen C1844934, MONDO:0010532, OMIM 301830.

Submission:

Labcorp Genetics (formerly Invitae), Labcorp
Classification: Uncertain significance for Infantile-onset X-linked spinal muscular atrophy. Last evaluated: 2024-05-10. Review status: criteria provided, single submitter. Criteria: Invitae Variant Classification Sherloc (09022015). Collection method: clinical testing. Allele origin: germline.
Comment: This sequence change replaces glutamic acid, which is acidic and polar, with aspartic acid, which is acidic and polar, at codon 968 of the UBA1 protein (p.Glu968Asp). This variant is not present in population databases (gnomAD no frequency). This variant has not been reported in the literature in individuals affected with UBA1-related conditions. Algorithms developed to predict the effect of missense changes on protein structure and function output the following: SIFT: "Not Available"; PolyPhen-2: "Benign"; Align-GVGD: "Not Available". The aspartic acid amino acid residue is found in multiple mammalian species, which suggests that this missense change does not adversely affect protein function. In summary, the available evidence is currently insufficient to determine the role of this variant in disease. Therefore, it has been classified as a Variant of Uncertain Significance.